The following is an entry in ClinVar:

NM_000179.3(MSH6):c.820A>G (p.Ser274Gly)

Gene: MSH6 (mutS homolog 6; plus strand). Cytogenetic location: 2p16.3.
Variant type: single nucleotide variant.
Coding change: c.820A>G on transcript NM_000179.3 (MANE Select); coding-DNA position 820, A replaced by G.
Protein change: p.Ser274Gly; replaces serine 274 with glycine.
Molecular consequence: missense variant. On other transcripts: 5 prime UTR variant (2).
Genome position (GRCh38, 1-based): chr2:47,798,803, A>G. VCF-style: chr2-47798803-A-G. GRCh37 (hg19) VCF-style: chr2-48025942-A-G.
Other names: c.430A>G, p.Ser144Gly (NM_001281492.2); c.-87A>G (NM_001281493.2, NM_001281494.2); short protein forms S144G, S274G.
Identifiers: ClinVar variation 656978 (VCV000656978.12), dbSNP rs1572720447, ClinGen allele CA346740419.

ClinVar aggregate classification (germline): Uncertain significance. Review status: criteria provided, multiple submitters, no conflicts (2 of 4 stars). 2 submissions from 2 submitters: Uncertain significance (2). Last evaluated 2025-03-24.

Conditions:
Hereditary nonpolyposis colorectal neoplasms. Identifiers: MedGen C0009405, MeSH D003123.
Hereditary cancer-predisposing syndrome. Also called: Hereditary neoplastic syndrome; Tumor predisposition; Neoplastic Syndromes, Hereditary; Hereditary Cancer Syndrome. Identifiers: Orphanet 140162, MedGen C0027672, MeSH D009386, MONDO:0015356.

Submissions (2):

Ambry Genetics
Classification: Uncertain significance for Hereditary cancer-predisposing syndrome. Last evaluated: 2025-03-24. Review status: criteria provided, single submitter. Criteria: Ambry Variant Classification Scheme 2023. Collection method: clinical testing. Allele origin: germline.
Comment: The p.S274G variant (also known as c.820A>G), located in coding exon 4 of the MSH6 gene, results from an A to G substitution at nucleotide position 820. The serine at codon 274 is replaced by glycine, an amino acid with similar properties. This amino acid position is conserved. In addition, the in silico prediction for this alteration is inconclusive. Based on the available evidence, the clinical significance of this variant remains unclear.

Labcorp Genetics (formerly Invitae), Labcorp
Classification: Uncertain significance for Hereditary nonpolyposis colorectal neoplasms. Last evaluated: 2019-06-12. Review status: criteria provided, single submitter. Criteria: Invitae Variant Classification Sherloc (09022015). Collection method: clinical testing. Allele origin: germline.
Comment: This variant is not present in population databases (ExAC no frequency). In summary, the available evidence is currently insufficient to determine the role of this variant in disease. Therefore, it has been classified as a Variant of Uncertain Significance. Algorithms developed to predict the effect of missense changes on protein structure and function are either unavailable or do not agree on the potential impact of this missense change (SIFT: "Tolerated"; PolyPhen-2: "Probably Damaging"; Align-GVGD: "Class C0"). This variant has not been reported in the literature in individuals with MSH6-related conditions. This sequence change replaces serine with glycine at codon 274 of the MSH6 protein (p.Ser274Gly). The serine residue is moderately conserved and there is a small physicochemical difference between serine and glycine.